The following is an entry in ClinVar:

ClinVar aggregate classification (germline): Benign. Review status: criteria provided, multiple submitters, no conflicts (2 of 4 stars). 4 submissions from 4 submitters: Benign (4). Last evaluated 2026-02-04.

Conditions:
Methylcobalamin deficiency type cblE (HMAE). Also called: HOMOCYSTINURIA-MEGALOBLASTIC ANEMIA, cblE COMPLEMENTATION TYPE; HOMOCYSTINURIA-MEGALOBLASTIC ANEMIA, cblE TYPE; VITAMIN B12-RESPONSIVE HOMOCYSTINURIA, cblE TYPE. Identifiers: Orphanet 2169, Orphanet 622, MedGen C1856057, MONDO:0009354, OMIM 236270.

Allele frequency attached by ClinVar (database versions not stated): ESP Exome Variant Server 0.02168; TOPMed 0.02883; gnomAD 0.03042 and 0.03108; gnomAD exomes 0.03362 and 0.04312; 1000 Genomes Project 30x 0.03779; 1000 Genomes Project 0.03894; ExAC 0.04053.
gnomAD v4.1: 53,714 of 1,613,746 alleles (3.3%); highest among the groups gnomAD compares: East Asian, 11%; 1,257 homozygotes.

Submissions (4):

Labcorp Genetics (formerly Invitae), Labcorp
Classification: Benign for Methylcobalamin deficiency type cblE. Last evaluated: 2026-02-04. Review status: criteria provided, single submitter. Criteria: Invitae Variant Classification Sherloc (09022015). Collection method: clinical testing. Allele origin: germline.

Mayo Clinic Laboratories, Mayo Clinic
Classification: Benign. Last evaluated: 2021-04-07. Review status: criteria provided, single submitter. Criteria: ACMG Guidelines, 2015. Collection method: clinical testing. Allele origin: germline. Observed: 4 variant alleles.

GeneDx
Classification: Benign. Last evaluated: 2014-03-12. Review status: criteria provided, single submitter. Criteria: GeneDx Variant Classification (06012015). Collection method: clinical testing. Allele origin: germline. Affected: yes.
Comment: This variant is considered likely benign or benign based on one or more of the following criteria: it is a conservative change, it occurs at a poorly conserved position in the protein, it is predicted to be benign by multiple in silico algorithms, and/or has population frequency not consistent with disease.

Breakthrough Genomics
Classification: Benign. Review status: criteria provided, single submitter. Criteria: ACMG Guidelines, 2015. Collection method: not provided. Allele origin: germline. Inheritance: Autosomal recessive inheritance. Affected: yes.

NM_002454.3(MTRR):c.1676+20A>G

Gene: MTRR (5-methyltetrahydrofolate-homocysteine methyltransferase reductase; plus strand). Cytogenetic location: 5p15.31.
Variant type: single nucleotide variant.
Coding change: c.1676+20A>G on transcript NM_002454.3 (MANE Select); 20 bases into the intron after coding-DNA position 1676, A replaced by G.
Molecular consequence: intron variant.
Genome position (GRCh38, 1-based): chr5:7,895,872, A>G. VCF-style: chr5-7895872-A-G. GRCh37 (hg19) VCF-style: chr5-7895985-A-G.
Other names: p.?; c.1676+20A>G (NM_001364440.2, NM_001364441.2, NM_001364442.2 and 1 more transcripts).
Identifiers: ClinVar variation 138298 (VCV000138298.12), dbSNP rs2303082, ClinGen allele CA292233.